The following is an entry in ClinVar:

NM_006231.4(POLE):c.1412T>A (p.Met471Lys)

Gene: POLE (DNA polymerase epsilon, catalytic subunit; minus strand). Cytogenetic location: 12q24.33.
Variant type: single nucleotide variant.
Coding change: c.1412T>A on transcript NM_006231.4 (MANE Select); coding-DNA position 1412, T replaced by A.
Protein change: p.Met471Lys; replaces methionine 471 with lysine.
Molecular consequence: missense variant.
Genome position (GRCh38, 1-based): chr12:132,673,225, A>T on the plus strand (T>A on the coding strand, the complement: POLE is on the minus strand). VCF-style: chr12-132673225-A-T. GRCh37 (hg19) VCF-style: chr12-133249811-A-T.
Other names: short protein forms M471K.
Identifiers: ClinVar variation 1038578 (VCV001038578.8), dbSNP rs2042971039, ClinGen allele CA387358495.
Genomic context (GRCh38, chr12:132,673,225, plus strand): 5'-TCGTCGGGCTCCATGGGAATAATGGTGCACAGAGCAAAGATGAATGGGTGGACGTACTTC[A>T]TGTACAGGTAGTAAGTGGCGACAGCATCTGACACAGAATACGTGGCCAGAGTCTGAGGAG-3'
Protein context (NP_006222.2, residues 461-481): SDAVATYYLY[Met471Lys]KYVHPFIFAL

ClinVar aggregate classification (germline): Uncertain significance (1 of 4 stars; one submission).

Allele frequency attached by ClinVar (database versions not stated): gnomAD exomes below 0.00001.
gnomAD v4.1: 1 of 1,613,930 alleles (0.000062%); highest among the groups gnomAD compares: South Asian, 0.0011%; no homozygotes.

Submission:

Labcorp Genetics (formerly Invitae), Labcorp
Classification: Uncertain significance. Last evaluated: 2020-06-18. Review status: criteria provided, single submitter. Criteria: Invitae Variant Classification Sherloc (09022015). Collection method: clinical testing. Allele origin: germline.
Comment: This variant is not present in population databases (ExAC no frequency). This sequence change replaces methionine with lysine at codon 471 of the POLE protein (p.Met471Lys). The methionine residue is highly conserved and there is a moderate physicochemical difference between methionine and lysine. This variant has not been reported in the literature in individuals with POLE-related conditions. Algorithms developed to predict the effect of missense changes on protein structure and function are either unavailable or do not agree on the potential impact of this missense change (SIFT: "Deleterious"; PolyPhen-2: "Possibly Damaging"; Align-GVGD: "Class C0"). In summary, the available evidence is currently insufficient to determine the role of this variant in disease. Therefore, it has been classified as a Variant of Uncertain Significance.